The following is an entry in ClinVar:

ClinVar aggregate classification (germline): Uncertain significance (1 of 4 stars; one submission).

Submission:

Labcorp Genetics (formerly Invitae), Labcorp
Classification: Uncertain significance. Last evaluated: 2021-12-07. Review status: criteria provided, single submitter. Criteria: Invitae Variant Classification Sherloc (09022015). Collection method: clinical testing. Allele origin: germline.
Comment: This variant has not been reported in the literature in individuals affected with PAK3-related conditions. This sequence change replaces arginine, which is basic and polar, with threonine, which is neutral and polar, at codon 506 of the PAK3 protein (p.Arg506Thr). This variant is not present in population databases (gnomAD no frequency). Algorithms developed to predict the effect of missense changes on protein structure and function are either unavailable or do not agree on the potential impact of this missense change (SIFT: "Not Available"; PolyPhen-2: "Benign"; Align-GVGD: "Not Available"). In summary, the available evidence is currently insufficient to determine the role of this variant in disease. Therefore, it has been classified as a Variant of Uncertain Significance.

NM_002578.5(PAK3):c.1517G>C (p.Arg506Thr)

Gene: PAK3 (p21 (RAC1) activated kinase 3; plus strand). Cytogenetic location: Xq23.
Variant type: single nucleotide variant.
Coding change: c.1517G>C on transcript NM_002578.5 (MANE Select); coding-DNA position 1517, G replaced by C.
Protein change: p.Arg506Thr; replaces arginine 506 with threonine.
Molecular consequence: missense variant. On other transcripts: non-coding transcript variant (2).
Genome position (GRCh38, 1-based): chrX:111,216,530, G>C. VCF-style: chrX-111216530-G-C. GRCh37 (hg19) VCF-style: chrX-110459758-G-C.
Other names: c.1517G>C, p.Arg506Thr (NM_001128166.3, NM_001128167.3, NM_001324325.2 and 5 more transcripts); c.1625G>C, p.Arg542Thr (NM_001128168.3); c.1580G>C, p.Arg527Thr (NM_001128172.2); c.1562G>C, p.Arg521Thr (NM_001128173.3, NM_001324327.2, NM_001324328.2 and 2 more transcripts); short protein forms R542T, R527T, R506T, R521T.
Identifiers: ClinVar variation 2036312 (VCV002036312.4), dbSNP rs2524490349, ClinGen allele CA414242091.